The following is an entry in ClinVar:

NM_000135.4(FANCA):c.2786A>C (p.Tyr929Ser)

Gene: FANCA (FA complementation group A; minus strand). Cytogenetic location: 16q24.3.
Variant type: single nucleotide variant.
Coding change: c.2786A>C on transcript NM_000135.4 (MANE Select); coding-DNA position 2786, A replaced by C.
Protein change: p.Tyr929Ser; replaces tyrosine 929 with serine.
Molecular consequence: missense variant.
Genome position (GRCh38, 1-based): chr16:89,762,015, T>G on the plus strand (A>C on the coding strand, the complement: FANCA is on the minus strand). VCF-style: chr16-89762015-T-G. GRCh37 (hg19) VCF-style: chr16-89828423-T-G.
Other names: c.2786A>C, p.Tyr929Ser (NM_001286167.3); short protein forms Y929S.
Identifiers: ClinVar variation 1041108 (VCV001041108.13), dbSNP rs2038969615, ClinGen allele CA397433968.

ClinVar aggregate classification (germline): Conflicting classifications of pathogenicity. Review status: criteria provided, conflicting classifications (1 of 4 stars). 4 submissions from 4 submitters: Pathogenic (1); Likely pathogenic (1); Uncertain significance (1). 1 of the submissions does not count toward it. Last evaluated 2026-08-17.

Conditions:
Fanconi anemia complementation group A (FANCA). Also called: Fanconi anemia, group A; FANCA-Related Fanconi Anemia. Identifiers: Orphanet 84, MedGen C3469521, MONDO:0009215, OMIM 227650.
Fanconi anemia (FA). Also called: Fanconi's anemia. Identifiers: Orphanet 84, MedGen C0015625, MeSH D005199, MONDO:0019391.

Allele frequency attached by ClinVar (database versions not stated): gnomAD exomes below 0.00001.
gnomAD v4.1: 1 of 1,613,412 alleles (0.000062%); highest among the groups gnomAD compares: South Asian, 0.0011%; no homozygotes.

Submissions (4):

Myriad Genetics, Inc.
Classification: Likely pathogenic for Fanconi anemia complementation group A. Last evaluated: 2026-08-17. Review status: criteria provided, single submitter. Criteria: Myriad Autosomal Dominant, Autosomal Recessive and X-Linked Classification Criteria (2023). Collection method: clinical testing. Allele origin: unknown.
Comment: NM_000135.2(FANCA):c.2786A>C(Y929S) is a missense variant classified as likely pathogenic in the context of Fanconi anemia complementation group A. Y929S has been observed in cases with relevant disease (PMID: 34585473, 36894310). Relevant functional assessments of this variant are not available in the literature. Y929S has not been observed in referenced population frequency databases. In summary, NM_000135.2(FANCA):c.2786A>C(Y929S) is a missense variant that has been observed more frequently in cases with the relevant disease than in healthy populations. Please note: this variant was assessed in the context of healthy population screening.

Labcorp Genetics (formerly Invitae), Labcorp
Classification: Pathogenic for Fanconi anemia. Last evaluated: 2026-01-05. Review status: criteria provided, single submitter. Criteria: Invitae Variant Classification Sherloc (09022015). Collection method: clinical testing. Allele origin: germline.
Comment: This sequence change replaces tyrosine, which is neutral and polar, with serine, which is neutral and polar, at codon 929 of the FANCA protein (p.Tyr929Ser). This variant is not present in population databases (gnomAD no frequency). This missense change has been observed in individuals with Fanconi anemia (PMID: 34585473, 36894310). ClinVar contains an entry for this variant (Variation ID: 1041108). Invitae Evidence Modeling of protein sequence and biophysical properties (such as structural, functional, and spatial information, amino acid conservation, physicochemical variation, residue mobility, and thermodynamic stability) indicates that this missense variant is expected to disrupt FANCA protein function with a positive predictive value of 95%. For these reasons, this variant has been classified as Pathogenic.

Neuberg Centre For Genomic Medicine, NCGM
Classification: Uncertain significance for Fanconi anemia complementation group A. Last evaluated: 2023-03-01. Review status: criteria provided, single submitter. Criteria: ACMG Guidelines, 2015. Collection method: clinical testing. Allele origin: germline. Inheritance: Autosomal recessive inheritance. Affected: yes.
Comment: The missense c.2786A>C (p.Tyr929Ser) variant in the FANCA gene has not been reported previously as a pathogenic variant nor as a benign variant, to our knowledge. The variant is novel (not in any individuals) in gnomAD Exomes and 1000 Genomes. This variant has been reported to the ClinVar database as Uncertain Significance. However, no details are available for independent assessment. The amino acid Tyrosine at position 929 is changed to a Serine changing protein sequence and it might alter its composition and physico-chemical properties. The variant is predicted as damaging by SIFT. The amino acid change p.Tyr929Ser in FANCA is predicted as conserved by GERP++ and PhyloP across 100 vertebrates. For these reasons, this variant has been classified as Uncertain Significance.

Natera, Inc.
Classification: Uncertain significance for Fanconi anemia. Last evaluated: 2020-01-23. Review status: no assertion criteria provided. Collection method: clinical testing. Allele origin: germline. Not counted in ClinVar's aggregate classification.

Literature cited by the submitters: PubMed 34585473 (cited by Myriad Genetics, Inc. and Labcorp Genetics (formerly Invitae), Labcorp); PubMed 36894310 (cited by Myriad Genetics, Inc. and Labcorp Genetics (formerly Invitae), Labcorp).